The following is an entry in ClinVar:

ClinVar aggregate classification (germline): Likely benign. Review status: criteria provided, multiple submitters, no conflicts (2 of 4 stars). 2 submissions from 2 submitters: Likely benign (2). Last evaluated 2024-08-07.

Conditions:
Familial cancer of breast. Also called: hereditary breast carcinoma; BREAST CANCER, FAMILIAL; Hereditary breast cancer. Identifiers: Orphanet 227535, MedGen C0346153, MONDO:0016419, OMIM 114480. Disease mechanism: loss of function.

Allele frequency attached by ClinVar (database versions not stated): TOPMed below 0.00001; gnomAD 0.00001.
gnomAD v4.1: 1 of 1,609,630 alleles (0.000062%); highest among the groups gnomAD compares: Non-Finnish European, 0.000085%; no homozygotes.

Submissions (2):

Labcorp Genetics (formerly Invitae), Labcorp
Classification: Likely benign for Familial cancer of breast. Last evaluated: 2024-08-07. Review status: criteria provided, single submitter. Criteria: Invitae Variant Classification Sherloc (09022015). Collection method: clinical testing. Allele origin: germline.

GeneDx
Classification: Likely benign. Last evaluated: 2017-07-26. Review status: criteria provided, single submitter. Criteria: GeneDx Variant Classification (06012015). Collection method: clinical testing. Allele origin: germline. Affected: yes.
Comment: This variant is considered likely benign or benign based on one or more of the following criteria: it is a conservative change, it occurs at a poorly conserved position in the protein, it is predicted to be benign by multiple in silico algorithms, and/or has population frequency not consistent with disease.

NM_024675.4(PALB2):c.2514+20T>C

Gene: PALB2 (partner and localizer of BRCA2; minus strand). Cytogenetic location: 16p12.2.
Variant type: single nucleotide variant.
Coding change: c.2514+20T>C on transcript NM_024675.4 (MANE Select); 20 bases into the intron after coding-DNA position 2514, T replaced by C.
Molecular consequence: intron variant.
Genome position (GRCh38, 1-based): chr16:23,629,620, A>G on the plus strand (T>C on the coding strand, the complement: PALB2 is on the minus strand). VCF-style: chr16-23629620-A-G. GRCh37 (hg19) VCF-style: chr16-23640941-A-G.
Identifiers: ClinVar variation 511139 (VCV000511139.5), dbSNP rs1555460289, ClinGen allele CA658798575.
Genomic context (GRCh38, chr16:23,629,620, plus strand): 5'-CGCAAGCAAGTCATGCTGTTTACATTCACTAAGGCATTTCATTCCTTCAGAGAAAATTTC[A>G]CAGAGGAAATGGATTGTACCTGTTCGACGGAATGTTTATGCAGCTCCTGGCATGTGTTTC-3'